The following is an entry in ClinVar:

ClinVar aggregate classification (germline): Benign. Review status: criteria provided, multiple submitters, no conflicts (2 of 4 stars). 4 submissions from 4 submitters: Benign (4). Last evaluated 2026-02-04.

Conditions:
Combined oxidative phosphorylation defect type 27. Also called: Combined oxidative phosphorylation deficiency 27. Identifiers: Orphanet 477774, MedGen C5567608, MONDO:0014728, OMIM 616672.

Allele frequency attached by ClinVar (database versions not stated): 1000 Genomes Project 30x 0.08167; 1000 Genomes Project 0.08187; TOPMed 0.10395; ESP Exome Variant Server 0.10441; gnomAD 0.10762 and 0.10889; ExAC 0.11199; gnomAD exomes 0.11482 and 0.12212.

Submissions (4):

Labcorp Genetics (formerly Invitae), Labcorp
Classification: Benign for Combined oxidative phosphorylation defect type 27. Last evaluated: 2026-02-04. Review status: criteria provided, single submitter. Criteria: Invitae Variant Classification Sherloc (09022015). Collection method: clinical testing. Allele origin: germline.

Mayo Clinic Laboratories, Mayo Clinic
Classification: Benign. Last evaluated: 2022-10-27. Review status: criteria provided, single submitter. Criteria: ACMG Guidelines, 2015. Collection method: clinical testing. Allele origin: germline. Observed: 132 variant alleles.

GeneDx
Classification: Benign. Last evaluated: 2015-12-16. Review status: criteria provided, single submitter. Criteria: GeneDx Variant Classification (06012015). Collection method: clinical testing. Allele origin: germline. Affected: yes.
Comment: This variant is considered likely benign or benign based on one or more of the following criteria: it is a conservative change, it occurs at a poorly conserved position in the protein, it is predicted to be benign by multiple in silico algorithms, and/or has population frequency not consistent with disease.

Breakthrough Genomics
Classification: Benign. Review status: criteria provided, single submitter. Criteria: ACMG Guidelines, 2015. Collection method: not provided. Allele origin: germline. Inheritance: Autosomal recessive inheritance. Affected: yes.

NM_024537.4(CARS2):c.1664A>C (p.Gln555Pro)

Gene: CARS2 (cysteinyl-tRNA synthetase 2, mitochondrial; minus strand). Cytogenetic location: 13q34.
Variant type: single nucleotide variant.
Coding change: c.1664A>C on transcript NM_024537.4 (MANE Select); coding-DNA position 1664, A replaced by C.
Protein change: p.Gln555Pro; replaces glutamine 555 with proline.
Molecular consequence: missense variant. On other transcripts: non-coding transcript variant (2).
Genome position (GRCh38, 1-based): chr13:110,641,568, T>G on the plus strand (A>C on the coding strand, the complement: CARS2 is on the minus strand). VCF-style: chr13-110641568-T-G. GRCh37 (hg19) VCF-style: chr13-111293915-T-G.
Other names: p.Gln555Pro; c.878A>C, p.Gln293Pro (NM_001352252.2); short protein forms Q555P, Q293P.
Identifiers: ClinVar variation 380143 (VCV000380143.12), dbSNP rs1043886, ClinGen allele CA7051561.